The following is an entry in ClinVar:

NM_003005.4(SELP):c.2346G>A (p.Thr782=)

Gene: SELP (selectin P; minus strand). Cytogenetic location: 1q24.2.
Variant type: single nucleotide variant.
Coding change: c.2346G>A on transcript NM_003005.4 (MANE Select); coding-DNA position 2346, G replaced by A.
Protein change: p.Thr782=; no amino-acid change (threonine 782 retained).
Molecular consequence: synonymous variant.
Genome position (GRCh38, 1-based): chr1:169,593,666, C>T on the plus strand (G>A on the coding strand, the complement: SELP is on the minus strand). VCF-style: chr1-169593666-C-T. GRCh37 (hg19) VCF-style: chr1-169562904-C-T.
Identifiers: ClinVar variation 3059830 (VCV003059830.2), dbSNP rs6128, ClinGen allele CA1234847.
Genomic context (GRCh38, chr1:169,593,666, plus strand): 5'-TTTTTGTCTGAAACGCTTTCTTAGCAAAGCCAGGAGCGTCCCACCCATTATCAGACCTAT[C>T]GTAGAAGCCACCGCTCCACCAAAGTAAGTCAGGGCTTCCTGGATAGTCAATGGTCCTGCT-3'
Protein context (NP_002996.2, residues 772-792): LTYFGGAVAS[Thr782=]IGLIMGGTLL

ClinVar aggregate classification (germline): Benign (0 of 4 stars; one submission).

Conditions:
SELP-related disorder. Also called: SELP-related condition.

Allele frequency attached by ClinVar (database versions not stated): ESP Exome Variant Server 0.26657; TOPMed 0.29858; 1000 Genomes Project 0.37879; 1000 Genomes Project 30x 0.37883.
gnomAD v4.1: 313,411 of 1,612,630 alleles (19%); highest among the groups gnomAD compares: East Asian, 60%; 39,575 homozygotes.

Submission:

PreventionGenetics, part of Exact Sciences
Classification: Benign for SELP-related condition. Last evaluated: 2019-10-21. Review status: no assertion criteria provided. Collection method: clinical testing. Allele origin: germline.
Comment: This variant is classified as benign based on ACMG/AMP sequence variant interpretation guidelines (Richards et al. 2015 PMID: 25741868, with internal and published modifications).